The following is an entry in ClinVar:

ClinVar aggregate classification (germline): Pathogenic (1 of 4 stars; one submission).

Conditions:
Hereditary antithrombin deficiency (AT3D). Also called: Antithrombin deficiency; Reduced antithrombin III activity; Antithrombin III deficiency; Thrombophilia due to antithrombin III deficiency. Identifiers: Orphanet 82, MedGen C0272375, MONDO:0013144, OMIM 613118, HP:0001976.

Submission:

Labcorp Genetics (formerly Invitae), Labcorp
Classification: Pathogenic for Hereditary antithrombin deficiency. Last evaluated: 2022-10-11. Review status: criteria provided, single submitter. Criteria: Invitae Variant Classification Sherloc (09022015). Collection method: clinical testing. Allele origin: germline.
Comment: This premature translational stop signal has been observed in individual(s) with type-I antithrombin deficiency (PMID: 16268490). This variant is not present in population databases (gnomAD no frequency). This sequence change creates a premature translational stop signal (p.Thr10Asnfs*55) in the SERPINC1 gene. It is expected to result in an absent or disrupted protein product. Loss-of-function variants in SERPINC1 are known to be pathogenic (PMID: 21264449). This variant is also known as AT-Siriraj. For these reasons, this variant has been classified as Pathogenic.

Literature cited by the submitters: PubMed 16268490; PubMed 21264449.

NM_000488.4(SERPINC1):c.28dup (p.Thr10fs)

Gene: SERPINC1 (serpin family C member 1; minus strand). Cytogenetic location: 1q25.1.
Variant type: Duplication.
Coding change: c.28dup on transcript NM_000488.4 (MANE Select); coding-DNA position 28, one base duplicated (A; older notation c.28dupA).
Protein change: p.Thr10fs; shifts the reading frame from threonine 10.
Molecular consequence: frameshift variant. On other transcripts: 5 prime UTR variant (1), intron variant (1).
Genome position (GRCh38, 1-based): chr1:173,917,232, T duplicated on the plus strand (A on the coding strand, the reverse complement: SERPINC1 is on the minus strand); the first of 2 consecutive T bases (chr1:173,917,232-173,917,233); duplicating either gives the same sequence. VCF-style (leftmost placement, unchanged base first): chr1-173917231-G-GT. GRCh37 (hg19) VCF-style: chr1-173886369-G-GT.
Other names: c.-286dup (NM_001365052.2); c.28dup, p.Thr10fs (NM_001386302.1, NM_001386304.1, NM_001386305.1 and 1 more transcripts); c.24+4dup (NM_001386303.1); short protein forms T10fs.
Identifiers: ClinVar variation 2202886 (VCV002202886.4), dbSNP rs2526612854, ClinGen allele CA2580061386.